The following is an entry in ClinVar:

ClinVar aggregate classification (germline): Uncertain significance. Review status: criteria provided, multiple submitters, no conflicts (2 of 4 stars). 3 submissions from 3 submitters: Uncertain significance (2). 1 of the submissions does not count toward it. Last evaluated 2025-09-26.

Conditions:
Peroxisome biogenesis disorder 5A (Zellweger) (PBD5A). Identifiers: Orphanet 912, MedGen C3553940, MONDO:0013932, OMIM 614866.
Inborn genetic diseases. Identifiers: MedGen C0950123, MeSH D030342.
Zellweger spectrum disorders (ZS). Also called: Zellweger Spectrum Disorder; Zellweger Spectrum; Zellweger syndrome; Zellweger Spectrum Disorder (ZSD). Identifiers: Orphanet 912, MedGen C0043459, MONDO:0019609.

Allele frequency attached by ClinVar (database versions not stated): gnomAD 0.00001; ExAC 0.00003; TOPMed 0.00003; gnomAD exomes 0.00004.
gnomAD v4.1: 35 of 1,614,028 alleles (0.0022%); highest among the groups gnomAD compares: Middle Eastern, 0.016%; no homozygotes.

Submissions (3):

Ambry Genetics
Classification: Uncertain significance for Inborn genetic diseases. Last evaluated: 2025-09-26. Review status: criteria provided, single submitter. Criteria: Ambry Variant Classification Scheme 2023. Collection method: clinical testing. Allele origin: germline.

Labcorp Genetics (formerly Invitae), Labcorp
Classification: Uncertain significance for Peroxisome biogenesis disorder 5A (Zellweger). Last evaluated: 2022-08-09. Review status: criteria provided, single submitter. Criteria: Invitae Variant Classification Sherloc (09022015). Collection method: clinical testing. Allele origin: germline.
Comment: This sequence change replaces isoleucine, which is neutral and non-polar, with valine, which is neutral and non-polar, at codon 111 of the PEX2 protein (p.Ile111Val). This variant is present in population databases (rs774994658, gnomAD 0.01%). This variant has not been reported in the literature in individuals affected with PEX2-related conditions. ClinVar contains an entry for this variant (Variation ID: 840122). Algorithms developed to predict the effect of missense changes on protein structure and function output the following: SIFT: "Tolerated"; PolyPhen-2: "Benign"; Align-GVGD: "Class C0". The valine amino acid residue is found in multiple mammalian species, which suggests that this missense change does not adversely affect protein function. Algorithms developed to predict the effect of sequence changes on RNA splicing suggest that this variant may create or strengthen a splice site. In summary, the available evidence is currently insufficient to determine the role of this variant in disease. Therefore, it has been classified as a Variant of Uncertain Significance.

Natera, Inc.
Classification: Uncertain significance for Zellweger syndrome. Last evaluated: 2020-01-24. Review status: no assertion criteria provided. Collection method: clinical testing. Allele origin: germline. Not counted in ClinVar's aggregate classification.

NM_000318.3(PEX2):c.331A>G (p.Ile111Val)

Gene: PEX2 (peroxisomal biogenesis factor 2; minus strand). Cytogenetic location: 8q21.13.
Variant type: single nucleotide variant.
Coding change: c.331A>G on transcript NM_000318.3 (MANE Select); coding-DNA position 331, A replaced by G.
Protein change: p.Ile111Val; replaces isoleucine 111 with valine.
Molecular consequence: missense variant.
Genome position (GRCh38, 1-based): chr8:76,983,848, T>C on the plus strand (A>G on the coding strand, the complement: PEX2 is on the minus strand). VCF-style: chr8-76983848-T-C. GRCh37 (hg19) VCF-style: chr8-77896084-T-C.
Other names: c.331A>G, p.Ile111Val (NM_001079867.2, NM_001172086.2, NM_001172087.2); short protein forms I111V.
Identifiers: ClinVar variation 840122 (VCV000840122.6), dbSNP rs774994658, ClinGen allele CA4788732.